The following is an entry in ClinVar:

ClinVar aggregate classification (germline): Uncertain significance (1 of 4 stars; one submission).

Submission:

Labcorp Genetics (formerly Invitae), Labcorp
Classification: Uncertain significance. Last evaluated: 2023-03-14. Review status: criteria provided, single submitter. Criteria: Invitae Variant Classification Sherloc (09022015). Collection method: clinical testing. Allele origin: germline.
Comment: In summary, the available evidence is currently insufficient to determine the role of this variant in disease. Therefore, it has been classified as a Variant of Uncertain Significance. Experimental studies and prediction algorithms are not available or were not evaluated, and the functional significance of this variant is currently unknown. This variant has not been reported in the literature in individuals affected with PDE6B-related conditions. This variant is not present in population databases (gnomAD no frequency). This sequence change affects codon 319 of the PDE6B mRNA. It is a 'silent' change, meaning that it does not change the encoded amino acid sequence of the PDE6B protein.

NM_000283.4(PDE6B):c.957_958delinsTA (p.Val320Ile)

Genes: PDE6B (phosphodiesterase 6B; plus strand), PDE6B-AS1 (PDE6B antisense RNA 1; minus strand). Cytogenetic location: 4p16.3.
Variant type: Indel.
Coding change: c.957_958delinsTA on transcript NM_000283.4 (MANE Select); coding-DNA positions 957 to 958, CG replaced by TA.
Protein change: p.Val320Ile; replaces valine 320 with isoleucine.
Molecular consequence: missense variant. On other transcripts: 5 prime UTR variant (1).
Genome position (GRCh38, 1-based): chr4:654,853-654,854, CG replaced by TA. VCF-style: chr4-654853-CG-TA. GRCh37 (hg19) VCF-style: chr4-648642-CG-TA.
Other names: c.957_958delinsTA, p.Val320Ile (NM_001145291.2); c.120_121delinsTA, p.Val41Ile (NM_001145292.2, NM_001350154.3, NM_001379246.1 and 1 more transcripts); c.-84_-83delinsTA (NM_001350155.3); short protein forms V41I, V320I.
Identifiers: ClinVar variation 2845826 (VCV002845826.3), dbSNP rs2474191152, ClinGen allele CA2739270002.